The following is an entry in ClinVar:

ClinVar aggregate classification (germline): Uncertain significance. Review status: criteria provided, multiple submitters, no conflicts (2 of 4 stars). 2 submissions from 2 submitters: Uncertain significance (2). Last evaluated 2025-09-24.

Conditions:
Cardiovascular phenotype. Identifiers: MedGen CN230736.
Alstrom syndrome (ALMS). Identifiers: Orphanet 64, MedGen C0268425, MONDO:0008763, OMIM 203800.

Allele frequency attached by ClinVar (database versions not stated): gnomAD exomes below 0.00001 and 0.00001; TOPMed below 0.00001; ExAC 0.00001.
gnomAD v4.1: 20 of 1,614,058 alleles (0.0012%); highest among the groups gnomAD compares: Non-Finnish European, 0.0017%; no homozygotes.

Submissions (2):

Labcorp Genetics (formerly Invitae), Labcorp
Classification: Uncertain significance for Alstrom syndrome. Last evaluated: 2025-09-24. Review status: criteria provided, single submitter. Criteria: Invitae Variant Classification Sherloc (09022015). Collection method: clinical testing. Allele origin: germline.
Comment: This sequence change replaces serine, which is neutral and polar, with asparagine, which is neutral and polar, at codon 2369 of the ALMS1 protein (p.Ser2369Asn). This variant is present in population databases (rs781640600, gnomAD 0.0009%). This variant has not been reported in the literature in individuals affected with ALMS1-related conditions. ClinVar contains an entry for this variant (Variation ID: 1444035). Experimental studies and prediction algorithms are not available or were not evaluated, and the functional significance of this variant is currently unknown. In summary, the available evidence is currently insufficient to determine the role of this variant in disease. Therefore, it has been classified as a Variant of Uncertain Significance.

Ambry Genetics
Classification: Uncertain significance for Cardiovascular phenotype. Last evaluated: 2021-07-19. Review status: criteria provided, single submitter. Criteria: Ambry Variant Classification Scheme 2023. Collection method: clinical testing. Allele origin: germline.

NM_001378454.1(ALMS1):c.7103G>A (p.Ser2368Asn)

Gene: ALMS1 (ALMS1 centrosome and basal body associated protein; plus strand). Cytogenetic location: 2p13.1.
Variant type: single nucleotide variant.
Coding change: c.7103G>A on transcript NM_001378454.1 (MANE Select); coding-DNA position 7103, G replaced by A.
Protein change: p.Ser2368Asn; replaces serine 2368 with asparagine.
Molecular consequence: missense variant.
Genome position (GRCh38, 1-based): chr2:73,453,630, G>A. VCF-style: chr2-73453630-G-A. GRCh37 (hg19) VCF-style: chr2-73680757-G-A.
Other names: c.7106G>A, p.Ser2369Asn (NM_015120.4); short protein forms S2368N, S2369N.
Identifiers: ClinVar variation 1444035 (VCV001444035.6), dbSNP rs781640600, ClinGen allele CA1714179.